The following is an entry in ClinVar:

NM_000245.4(MET):c.1128G>A (p.Lys376=)

Gene: MET (MET proto-oncogene, receptor tyrosine kinase; plus strand). Cytogenetic location: 7q31.2.
Variant type: single nucleotide variant.
Coding change: c.1128G>A on transcript NM_000245.4 (MANE Select); coding-DNA position 1128, G replaced by A.
Protein change: p.Lys376=; no amino-acid change (lysine 376 retained).
Molecular consequence: synonymous variant. On other transcripts: intron variant (1).
Genome position (GRCh38, 1-based): chr7:116,700,212, G>A. VCF-style: chr7-116700212-G-A. GRCh37 (hg19) VCF-style: chr7-116340266-G-A.
Other names: c.1128G>A, p.Lys376= (NM_001127500.3, NM_001324401.3); c.-91+27635G>A (NM_001324402.2).
Identifiers: ClinVar variation 3773034 (VCV003773034.1).
Genomic context (GRCh38, chr7:116,700,212, plus strand): 5'-AATGGATCGATCTGCCATGTGTGCATTCCCTATCAAATATGTCAACGACTTCTTCAACAA[G>A]ATCGTCAACAAAAACAATGTGAGATGTCTCCAGCATTTTTACGGACCCAATCATGAGCAC-3'
Protein context (NP_000236.2, residues 366-386): PIKYVNDFFN[Lys376=]IVNKNNVRCL

ClinVar aggregate classification (germline): Benign (1 of 4 stars; one submission).

Conditions:
Papillary renal cell carcinoma type 1 (RCCP1). Also called: Renal adenocarcinoma; Renal cell carcinoma 1; Renal cell carcinoma, somatic; RENAL CELL CARCINOMA, PAPILLARY, 1, SOMATIC. Identifiers: Orphanet 47044, MedGen C1336839, OMIM 605074, HP:0011797.

gnomAD v4.1: 1 of 1,594,770 alleles (0.000063%); highest among the groups gnomAD compares: Non-Finnish European, 0.000085%; no homozygotes.

Submission:

Myriad Genetics, Inc.
Classification: Benign for Papillary renal cell carcinoma type 1. Last evaluated: 2024-11-07. Review status: criteria provided, single submitter. Criteria: Myriad Autosomal Dominant, Autosomal Recessive and X-Linked Classification Criteria (2023). Collection method: clinical testing. Allele origin: unknown.
Comment: This variant is considered benign. This variant is a silent/synonymous amino acid change and it is not expected to impact splicing.